The following is an entry in ClinVar:

NM_000273.3(GPR143):c.334C>A (p.Pro112Thr)

Gene: GPR143 (G protein-coupled receptor 143; minus strand). Cytogenetic location: Xp22.2.
Variant type: single nucleotide variant.
Coding change: c.334C>A on transcript NM_000273.3 (MANE Select); coding-DNA position 334, C replaced by A.
Protein change: p.Pro112Thr; replaces proline 112 with threonine.
Molecular consequence: missense variant.
Genome position (GRCh38, 1-based): chrX:9,760,743, G>T on the plus strand (C>A on the coding strand, the complement: GPR143 is on the minus strand). VCF-style: chrX-9760743-G-T. GRCh37 (hg19) VCF-style: chrX-9728783-G-T.
Other names: short protein forms P112T.
Identifiers: ClinVar variation 1720442 (VCV001720442.5), dbSNP rs1181171161, ClinGen allele CA411999079.

ClinVar aggregate classification (germline): Uncertain significance (1 of 4 stars; one submission).

Allele frequency attached by ClinVar (database versions not stated): gnomAD 0.00001.

Submission:

Labcorp Genetics (formerly Invitae), Labcorp
Classification: Uncertain significance. Last evaluated: 2024-07-05. Review status: criteria provided, single submitter. Criteria: Invitae Variant Classification Sherloc (09022015). Collection method: clinical testing. Allele origin: germline.
Comment: This sequence change replaces proline, which is neutral and non-polar, with threonine, which is neutral and polar, at codon 112 of the GPR143 protein (p.Pro112Thr). This variant is not present in population databases (gnomAD no frequency). This variant has not been reported in the literature in individuals affected with GPR143-related conditions. ClinVar contains an entry for this variant (Variation ID: 1720442). Advanced modeling of protein sequence and biophysical properties (such as structural, functional, and spatial information, amino acid conservation, physicochemical variation, residue mobility, and thermodynamic stability) performed at Invitae indicates that this missense variant is expected to disrupt GPR143 protein function with a positive predictive value of 80%. In summary, the available evidence is currently insufficient to determine the role of this variant in disease. Therefore, it has been classified as a Variant of Uncertain Significance.